The following is an entry in ClinVar:

NM_001035.3(RYR2):c.11092-11T>A

Gene: RYR2 (ryanodine receptor 2; plus strand). Cytogenetic location: 1q43.
Variant type: single nucleotide variant.
Coding change: c.11092-11T>A on transcript NM_001035.3 (MANE Select); 11 bases into the intron before coding-DNA position 11092, T replaced by A.
Molecular consequence: intron variant.
Genome position (GRCh38, 1-based): chr1:237,742,285, T>A. VCF-style: chr1-237742285-T-A. GRCh37 (hg19) VCF-style: chr1-237905585-T-A.
Identifiers: ClinVar variation 922605 (VCV000922605.12), dbSNP rs1040339463, ClinGen allele CA1474960.

ClinVar aggregate classification (germline): Likely benign. Review status: criteria provided, multiple submitters, no conflicts (2 of 4 stars). 3 submissions from 3 submitters: Likely benign (3). Last evaluated 2026-01-26.

Conditions:
Catecholaminergic polymorphic ventricular tachycardia (CVPT). Also called: Catecholamine-induced polymorphic ventricular tachycardia. Identifiers: Orphanet 3286, MedGen C5574922, MONDO:0017990.
Cardiomyopathy (CMYO). Also called: Cardiomyopathies. Identifiers: Orphanet 167848, MedGen C0878544, MONDO:0004994, HP:0001638. Inheritance: Various modes of inheritance.
Catecholaminergic polymorphic ventricular tachycardia 1. Also called: VENTRICULAR TACHYCARDIA, CATECHOLAMINERGIC POLYMORPHIC, 1, WITH OR WITHOUT ATRIAL DYSFUNCTION AND/OR DILATED CARDIOMYOPATHY; RYR2-Related Catecholaminergic Polymorphic Ventricular Tachycardia; VENTRICULAR TACHYCARDIA, STRESS-INDUCED POLYMORPHIC 1. Identifiers: Orphanet 3286, MedGen C1631597, MONDO:0011484, OMIM 604772.

Allele frequency attached by ClinVar (database versions not stated): ExAC 0.00004; gnomAD exomes 0.00005 and 0.00008.

Submissions (3):

Labcorp Genetics (formerly Invitae), Labcorp
Classification: Likely benign for Catecholaminergic polymorphic ventricular tachycardia 1. Last evaluated: 2026-01-26. Review status: criteria provided, single submitter. Criteria: Invitae Variant Classification Sherloc (09022015). Collection method: clinical testing. Allele origin: germline.

All of Us Research Program, National Institutes of Health
Classification: Likely benign for Catecholaminergic polymorphic ventricular tachycardia. Last evaluated: 2023-12-13. Review status: criteria provided, single submitter. Criteria: ACMG Guidelines, 2015. Collection method: clinical testing. Allele origin: germline. Inheritance: Autosomal dominant inheritance. Observed: 3 variant alleles, 3 heterozygotes.
Comment: This study involves interpretation of variants in research participants for the purpose of population health screening. Participant phenotype was not available at the time of variant classification. Additional details can be found in publication PMID: 35346344, PMCID: PMC8962531

Color Diagnostics, LLC DBA Color Health
Classification: Likely benign for Cardiomyopathy. Last evaluated: 2018-11-23. Review status: criteria provided, single submitter. Criteria: ACMG Guidelines, 2015. Collection method: clinical testing. Allele origin: germline.